The following is an entry in ClinVar:

NM_001042492.3(NF1):c.6642+45T>A

Gene: NF1 (neurofibromin 1; plus strand). Cytogenetic location: 17q11.2.
Variant type: single nucleotide variant.
Coding change: c.6642+45T>A on transcript NM_001042492.3 (MANE Select); 45 bases into the intron after coding-DNA position 6642, T replaced by A.
Molecular consequence: intron variant.
Genome position (GRCh38, 1-based): chr17:31,337,627, T>A. VCF-style: chr17-31337627-T-A. GRCh37 (hg19) VCF-style: chr17-29664645-T-A.
Other names: c.6579+45T>A (NM_000267.4).
Identifiers: ClinVar variation 257297 (VCV000257297.32), dbSNP rs17883614, ClinGen allele CA8487382.

ClinVar aggregate classification (germline): Benign/Likely benign. Review status: criteria provided, multiple submitters, no conflicts (2 of 4 stars). 9 submissions from 8 submitters: Benign (8); Likely benign (1). Last evaluated 2026-01-19.

Conditions:
Neurofibromatosis, familial spinal (FSNF). Identifiers: Orphanet 636, MedGen C1834235, MONDO:0008078, OMIM 162210. Disease mechanism: loss of function.
Neurofibromatosis, type 1 (NF1). Also called: NEUROFIBROMATOSIS, TYPE I, SOMATIC; Neurofibromatosis, type I; VON RECKLINGHAUSEN DISEASE; Peripheral type neurofibromatosis. Identifiers: Orphanet 636, MedGen C0027831, MONDO:0018975, OMIM 162200. Disease mechanism: loss of function.

Allele frequency attached by ClinVar (database versions not stated): gnomAD exomes 0.02352 and 0.04701; ExAC 0.05343; ESP Exome Variant Server 0.09599; gnomAD 0.12154 and 0.12771; TOPMed 0.13543; 1000 Genomes Project 0.14337; 1000 Genomes Project 30x 0.15006.
gnomAD v4.1: 52,426 of 1,555,824 alleles (3.4%); highest among the groups gnomAD compares: African/African-American, 38%; 5,974 homozygotes.

Submissions (9):

Labcorp Genetics (formerly Invitae), Labcorp
Classification: Benign for Neurofibromatosis, type 1. Last evaluated: 2026-01-19. Review status: criteria provided, single submitter. Criteria: Invitae Variant Classification Sherloc (09022015). Collection method: clinical testing. Allele origin: germline.

Center for Genomic Medicine, Rigshospitalet, Copenhagen University Hospital
Classification: Likely benign. Last evaluated: 2025-03-04. Review status: criteria provided, single submitter. Criteria: ACMG Guidelines, 2015. Collection method: clinical testing. Allele origin: germline.

KCCC/NGS Laboratory, Kuwait Cancer Control Center
Classification: Benign for Neurofibromatosis, type 1. Last evaluated: 2025-02-01. Review status: criteria provided, single submitter. Criteria: ACMG Guidelines, 2015. Collection method: clinical testing. Allele origin: germline. Affected: no.

KCCC/NGS Laboratory, Kuwait Cancer Control Center
Classification: Benign for Neurofibromatosis, familial spinal. Last evaluated: 2023-07-07. Review status: criteria provided, single submitter. Criteria: ACMG Guidelines, 2015. Collection method: clinical testing. Allele origin: germline. Affected: yes.

ARUP Laboratories, Molecular Genetics and Genomics, ARUP Laboratories
Classification: Benign. Last evaluated: 2022-09-13. Review status: criteria provided, single submitter. Criteria: ARUP Molecular Germline Variant Investigation Process 2021. Collection method: clinical testing. Allele origin: germline.

Genome-Nilou Lab
Classification: Benign for Neurofibromatosis, type 1. Last evaluated: 2022-03-15. Review status: criteria provided, single submitter. Criteria: ACMG Guidelines, 2015. Collection method: clinical testing. Allele origin: germline. Affected: no.

GeneDx
Classification: Benign. Last evaluated: 2018-06-18. Review status: criteria provided, single submitter. Criteria: GeneDx Variant Classification (06012015). Collection method: clinical testing. Allele origin: germline. Affected: yes.
Comment: This variant is considered likely benign or benign based on one or more of the following criteria: it is a conservative change, it occurs at a poorly conserved position in the protein, it is predicted to be benign by multiple in silico algorithms, and/or has population frequency not consistent with disease.

Breakthrough Genomics
Classification: Benign. Review status: criteria provided, single submitter. Criteria: ACMG Guidelines, 2015. Collection method: not provided. Allele origin: germline. Inheritance: Autosomal dominant inheritance. Affected: yes.

PreventionGenetics, part of Exact Sciences
Classification: Benign. Review status: criteria provided, single submitter. Criteria: ACMG Guidelines, 2015. Collection method: clinical testing. Allele origin: germline.